The following is an entry in ClinVar:

ClinVar aggregate classification (germline): Likely pathogenic (1 of 4 stars; one submission).

Submission:

Mayo Clinic Laboratories, Mayo Clinic
Classification: Likely pathogenic. Last evaluated: 2024-10-23. Review status: criteria provided, single submitter. Criteria: ACMG Guidelines, 2015. Collection method: clinical testing. Allele origin: germline. Observed: 1 variant allele.
Comment: PM2_moderate, PVS1

NM_001001331.4(ATP2B2):c.555dup (p.Ile186fs)

Gene: ATP2B2 (ATPase plasma membrane Ca2+ transporting 2; minus strand). Cytogenetic location: 3p25.3.
Variant type: Duplication.
Coding change: c.555dup on transcript NM_001001331.4 (MANE Select); coding-DNA position 555, one base duplicated (C; older notation c.555dupC).
Protein change: p.Ile186fs; shifts the reading frame from isoleucine 186.
Molecular consequence: frameshift variant.
Genome position (GRCh38, 1-based): chr3:10,402,191, G duplicated on the plus strand (C on the coding strand, the reverse complement: ATP2B2 is on the minus strand). VCF-style (leftmost placement, unchanged base first): chr3-10402190-T-TG. GRCh37 (hg19) VCF-style: chr3-10443874-T-TG.
Other names: p.Ile186Hisfs*22; c.555dup, p.Ile186fs (NM_001330611.3, NM_001353564.1, NM_001363862.1 and 3 more transcripts); short protein forms I186fs.
Identifiers: ClinVar variation 4540839 (VCV004540839.1).